The following is an entry in ClinVar:

ClinVar aggregate classification (germline): Likely pathogenic. Review status: criteria provided, single submitter (1 of 4 stars). 2 submissions from 2 submitters: Likely pathogenic (1). 1 of the submissions does not count toward it. Last evaluated 2023-12-08.

Conditions:
Neurodevelopmental disorder with hypotonia and variable intellectual and behavioral abnormalities. Identifiers: MedGen C5231423, MONDO:0032829, OMIM 618603.

Allele frequency attached by ClinVar (database versions not stated): gnomAD exomes below 0.00001.

Submissions (2):

Rady Children's Institute for Genomic Medicine, Rady Children's Hospital San Diego
Classification: Likely pathogenic for Neurodevelopmental disorder with hypotonia and variable intellectual and behavioral abnormalities. Last evaluated: 2023-12-08. Review status: criteria provided, single submitter. Criteria: ACMG Guidelines, 2015. Collection method: clinical testing. Allele origin: germline. Affected: yes.
Comment: The POLR2A gene is highly constrained (Z-score= 7.13 and pLI = 1), which suggests it is intolerant to variation. The c.4252G>A (p.Gly1418Arg) variant affects a moderately conserved amino acid and is predicted by multiple in silico tools to have a deleterious effect on protein function. This variant has been previously reported as a de novo heterozygous change in patients with a multisystemic developmental disorder and craniosynostosis (PMID: 33665635, 37086723 respectively). The c.4252G>A (p.Gly1418Arg) variant is absent from the gnomAD population database and thus is presumed to be rare. Based on the available evidence, c.4252G>A (p.Gly1418Arg) is classified as Likely Pathogenic.

Human Genome Sequencing Center Clinical Lab, Baylor College of Medicine
Classification: Pathogenic for Neurodevelopmental disorder with hypotonia and variable intellectual and behavioral abnormalities. Last evaluated: 2020-05-08. Review status: no assertion criteria provided. Collection method: research. Allele origin: de novo. Affected: yes. Observed: 1 variant allele. Not counted in ClinVar's aggregate classification.
Comment: Pathogenicity supported by functional studies

Literature cited by the submitters: PubMed 33665635 (cited by Rady Children's Institute for Genomic Medicine, Rady Children's Hospital San Diego); 37086723 (cited by Rady Children's Institute for Genomic Medicine, Rady Children's Hospital San Diego).

NM_000937.5(POLR2A):c.4252G>A (p.Gly1418Arg)

Genes: POLR2A (RNA polymerase II subunit A; plus strand), LOC126862482 (CDK7 strongly-dependent group 2 enhancer GRCh37_chr17:7414586-7415785; plus strand). Cytogenetic location: 17p13.1.
Variant type: single nucleotide variant.
Coding change: c.4252G>A on transcript NM_000937.5 (MANE Select); coding-DNA position 4252, G replaced by A.
Protein change: p.Gly1418Arg; replaces glycine 1418 with arginine.
Molecular consequence: missense variant.
Genome position (GRCh38, 1-based): chr17:7,511,961, G>A. VCF-style: chr17-7511961-G-A. GRCh37 (hg19) VCF-style: chr17-7415280-G-A.
Other names: short protein forms G1418R.
Identifiers: ClinVar variation 873139 (VCV000873139.2), dbSNP rs2070711917, ClinGen allele CA397823596.
Genomic context (GRCh38, chr17:7,511,961, plus strand): 5'-TTGGCTCTCTTGTGTGATACCATGACCTGTCGTGGCCACTTGATGGCCATCACCCGACAC[G>A]GAGTCAACCGCCAGGACACAGGACCACTCATGAAGTGTTCCTTTGAGGAAACGGTAACAG-3'
Protein context (NP_000928.1, residues 1408-1428): RGHLMAITRH[Gly1418Arg]VNRQDTGPLM